The following is an entry in ClinVar:

NM_005343.4(HRAS):c.114T>C (p.Asp38=)

Genes: HRAS (HRas proto-oncogene, GTPase; minus strand), LRRC56 (leucine rich repeat containing 56; plus strand). Cytogenetic location: 11p15.5.
Variant type: single nucleotide variant.
Coding change: c.114T>C on transcript NM_005343.4 (MANE Select); coding-DNA position 114, T replaced by C.
Protein change: p.Asp38=; no amino-acid change (aspartic acid 38 retained).
Molecular consequence: synonymous variant. On other transcripts: 5 prime UTR variant (1), intron variant (2).
Genome position (GRCh38, 1-based): chr11:533,942, A>G on the plus strand (T>C on the coding strand, the complement: HRAS is on the minus strand). VCF-style: chr11-533942-A-G. GRCh37 (hg19) VCF-style: chr11-533942-A-G.
Other names: c.114T>C, p.Asp38= (NM_001130442.3, NM_176795.5); c.-206T>C (NM_001318054.2); c.-162+5605A>G (NM_001441284.1, NM_001441286.1).
Identifiers: ClinVar variation 4084257 (VCV004084257.8).

ClinVar aggregate classification (germline): Likely benign (1 of 4 stars; one submission).

Submission:

CeGaT Center for Human Genetics Tuebingen
Classification: Likely benign. Last evaluated: 2025-08-01. Review status: criteria provided, single submitter. Criteria: CeGaT Center For Human Genetics Tuebingen Variant Classification Criteria Version 2. Collection method: clinical testing. Allele origin: germline. Affected: yes. Observed: 1 variant allele.
Comment: HRAS: PM2:Supporting, BP4, BP7